The following is an entry in ClinVar:

NM_000228.3(LAMB3):c.1156del (p.Ala386fs)

Gene: LAMB3 (laminin subunit beta 3; minus strand). Cytogenetic location: 1q32.2.
Variant type: Deletion.
Coding change: c.1156del on transcript NM_000228.3 (MANE Select); coding-DNA position 1156, one base deleted (G; older notation c.1156delG).
Protein change: p.Ala386fs; shifts the reading frame from alanine 386.
Molecular consequence: frameshift variant.
Genome position (GRCh38, 1-based): chr1:209,628,167, C deleted on the plus strand (G on the coding strand, the reverse complement: LAMB3 is on the minus strand); the first of 4 consecutive C bases (chr1:209,628,167-209,628,170); deleting any one gives the same sequence. VCF-style (leftmost placement, unchanged base first): chr1-209628166-GC-G. GRCh37 (hg19) VCF-style: chr1-209801511-GC-G.
Other names: c.1156del, p.Ala386fs (NM_001017402.2, NM_001127641.1); short protein forms A386fs.
Identifiers: ClinVar variation 2879282 (VCV002879282.3), dbSNP rs2464838549, ClinGen allele CA2739275561.

ClinVar aggregate classification (germline): Pathogenic (1 of 4 stars; one submission).

Submission:

Labcorp Genetics (formerly Invitae), Labcorp
Classification: Pathogenic. Last evaluated: 2023-02-14. Review status: criteria provided, single submitter. Criteria: Invitae Variant Classification Sherloc (09022015). Collection method: clinical testing. Allele origin: germline.
Comment: This sequence change creates a premature translational stop signal (p.Ala386Glnfs*10) in the LAMB3 gene. It is expected to result in an absent or disrupted protein product. Loss-of-function variants in LAMB3 are known to be pathogenic (PMID: 11023379, 16473856). This variant is not present in population databases (gnomAD no frequency). This variant has not been reported in the literature in individuals affected with LAMB3-related conditions. For these reasons, this variant has been classified as Pathogenic.

Literature cited by the submitters: PubMed 11023379; PubMed 16473856.